The following is an entry in ClinVar:

NM_000219.6(KCNE1):c.269A>G (p.Lys90Arg)

Gene: KCNE1 (potassium voltage-gated channel subfamily E regulatory subunit 1; minus strand). Cytogenetic location: 21q22.12.
Variant type: single nucleotide variant.
Coding change: c.269A>G on transcript NM_000219.6 (MANE Select); coding-DNA position 269, A replaced by G.
Protein change: p.Lys90Arg; replaces lysine 90 with arginine.
Molecular consequence: missense variant.
Genome position (GRCh38, 1-based): chr21:34,449,366, T>C on the plus strand (A>G on the coding strand, the complement: KCNE1 is on the minus strand). VCF-style: chr21-34449366-T-C. GRCh37 (hg19) VCF-style: chr21-35821664-T-C.
Other names: c.269A>G, p.Lys90Arg (NM_001127668.4, NM_001127669.4, NM_001127670.4 and 4 more transcripts); short protein forms K90R.
Identifiers: ClinVar variation 3374488 (VCV003374488.2).

Conditions:
Long QT syndrome 5 (LQT5). Identifiers: Orphanet 101016, Orphanet 768, MedGen C1867904, MONDO:0013372, OMIM 613695.

Submission:

Roden Lab, Vanderbilt University Medical Center
No classification provided (evidence only). Condition: Long QT syndrome 5. Review status: no classification provided. Collection method: in vitro. Allele origin: not applicable. Functional consequence: Effect on ion channel function.
ClinVar note: "not provided" was previously submitted as the classification for the variant. However, the classification appeared to be based only on an observation of functional data so it was converted to no classification on 2025-07-30.